The following is an entry in ClinVar:

ClinVar aggregate classification (germline): Likely benign (0 of 4 stars; one submission).

Conditions:
FOXD1-related disorder. Also called: FOXD1-related condition.

Allele frequency attached by ClinVar (database versions not stated): TOPMed 0.00315; gnomAD 0.00335; gnomAD exomes 0.00401; 1000 Genomes Project 30x 0.00484; 1000 Genomes Project 0.00499; ExAC 0.02276.
gnomAD v4.1: 5,294 of 1,341,370 alleles (0.39%); highest among the groups gnomAD compares: South Asian, 1.2%; 24 homozygotes.

Submission:

PreventionGenetics, part of Exact Sciences
Classification: Likely benign for FOXD1-related condition. Last evaluated: 2019-06-27. Review status: no assertion criteria provided. Collection method: clinical testing. Allele origin: germline.
Comment: This variant is classified as likely benign based on ACMG/AMP sequence variant interpretation guidelines (Richards et al. 2015 PMID: 25741868, with internal and published modifications).

NM_004472.3(FOXD1):c.237G>A (p.Leu79=)

Gene: FOXD1 (forkhead box D1; minus strand). Cytogenetic location: 5q13.2.
Variant type: single nucleotide variant.
Coding change: c.237G>A on transcript NM_004472.3 (MANE Select); coding-DNA position 237, G replaced by A.
Protein change: p.Leu79=; no amino-acid change (leucine 79 retained).
Molecular consequence: synonymous variant.
Genome position (GRCh38, 1-based): chr5:73,448,126, C>T on the plus strand (G>A on the coding strand, the complement: FOXD1 is on the minus strand). VCF-style: chr5-73448126-C-T. GRCh37 (hg19) VCF-style: chr5-72743951-C-T.
Identifiers: ClinVar variation 3037294 (VCV003037294.2), dbSNP rs552853109, ClinGen allele CA3303113.